The following is an entry in ClinVar:

NM_000454.5(SOD1):c.72+20C>T

Genes: SOD1 (superoxide dismutase 1; plus strand), SOD1-DT (SOD1 divergent transcript; minus strand). Cytogenetic location: 21q22.11.
Variant type: single nucleotide variant.
Coding change: c.72+20C>T on transcript NM_000454.5 (MANE Select); 20 bases into the intron after coding-DNA position 72, C replaced by T.
Molecular consequence: intron variant. On other transcripts: non-coding transcript variant (1).
Genome position (GRCh38, 1-based): chr21:31,659,861, C>T. VCF-style: chr21-31659861-C-T. GRCh37 (hg19) VCF-style: chr21-33032174-C-T.
Identifiers: ClinVar variation 2723039 (VCV002723039.3), dbSNP rs374484610, ClinGen allele CA9998865.

ClinVar aggregate classification (germline): Uncertain significance (1 of 4 stars; one submission).

Conditions:
Amyotrophic lateral sclerosis type 1 (ALS1). Also called: AMYOTROPHIC LATERAL SCLEROSIS 1, FAMILIAL. Identifiers: Orphanet 803, MedGen C1862939, MONDO:0007103, OMIM 105400.

Allele frequency attached by ClinVar (database versions not stated): TOPMed below 0.00001; ExAC 0.00001; gnomAD 0.00001; gnomAD exomes 0.00001; ESP Exome Variant Server 0.00008.
gnomAD v4.1: 13 of 1,610,380 alleles (0.00081%); highest among the groups gnomAD compares: South Asian, 0.0011%; no homozygotes.

Submission:

Labcorp Genetics (formerly Invitae), Labcorp
Classification: Uncertain significance for Amyotrophic lateral sclerosis type 1. Last evaluated: 2023-10-30. Review status: criteria provided, single submitter. Criteria: Invitae Variant Classification Sherloc (09022015). Collection method: clinical testing. Allele origin: germline.
Comment: This sequence change falls in intron 1 of the SOD1 gene. It does not directly change the encoded amino acid sequence of the SOD1 protein. This variant is present in population databases (rs374484610, gnomAD 0.003%). This variant has not been reported in the literature in individuals affected with SOD1-related conditions. Algorithms developed to predict the effect of sequence changes on RNA splicing suggest that this variant may create or strengthen a splice site. In summary, the available evidence is currently insufficient to determine the role of this variant in disease. Therefore, it has been classified as a Variant of Uncertain Significance.